The following is an entry in ClinVar:

ClinVar aggregate classification (germline): Uncertain significance (1 of 4 stars; one submission).

Submission:

GeneDx
Classification: Uncertain significance. Last evaluated: 2021-04-30. Review status: criteria provided, single submitter. Criteria: GeneDx Variant Classification Process June 2021. Collection method: clinical testing. Allele origin: germline. Affected: yes.
Comment: Not observed in large population cohorts (Lek et al., 2016); In silico analysis supports that this missense variant has a deleterious effect on protein structure/function; Has not been previously published as pathogenic or benign to our knowledge

NM_022455.5(NSD1):c.5150G>A (p.Gly1717Asp)

Gene: NSD1 (nuclear receptor binding SET domain protein 1; plus strand). Cytogenetic location: 5q35.3.
Variant type: single nucleotide variant.
Coding change: c.5150G>A on transcript NM_022455.5 (MANE Select); coding-DNA position 5150, G replaced by A.
Protein change: p.Gly1717Asp; replaces glycine 1717 with aspartic acid.
Molecular consequence: missense variant.
Genome position (GRCh38, 1-based): chr5:177,267,565, G>A. VCF-style: chr5-177267565-G-A. GRCh37 (hg19) VCF-style: chr5-176694566-G-A.
Other names: c.4277G>A, p.Gly1426Asp (NM_001365684.2, NM_001409308.1, NM_001409309.1 and 1 more transcripts); c.5150G>A, p.Gly1717Asp (NM_001409301.1, NM_001409302.1, NM_001409303.1); c.4730G>A, p.Gly1577Asp (NM_001409304.1); c.4397G>A, p.Gly1466Asp (NM_001409305.1); c.4388G>A, p.Gly1463Asp (NM_001409306.1, NM_001409307.1); short protein forms G1448D, G1717D, G1463D, G1577D, G1426D, G1466D.
Identifiers: ClinVar variation 1314986 (VCV001314986.2), dbSNP rs2149930984, ClinGen allele CA362305369.